The following is an entry in ClinVar:

NM_198253.3(TERT):c.934C>G (p.Arg312Gly)

Gene: TERT (telomerase reverse transcriptase; minus strand). Cytogenetic location: 5p15.33.
Variant type: single nucleotide variant.
Coding change: c.934C>G on transcript NM_198253.3 (MANE Select); coding-DNA position 934, C replaced by G.
Protein change: p.Arg312Gly; replaces arginine 312 with glycine.
Molecular consequence: missense variant. On other transcripts: non-coding transcript variant (2).
Genome position (GRCh38, 1-based): chr5:1,293,952, G>C on the plus strand (C>G on the coding strand, the complement: TERT is on the minus strand). VCF-style: chr5-1293952-G-C. GRCh37 (hg19) VCF-style: chr5-1294067-G-C.
Other names: c.934C>G, p.Arg312Gly (NM_001193376.3, NM_003219.1); short protein forms R312G.
Identifiers: ClinVar variation 2943524 (VCV002943524.3), dbSNP rs760697425, ClinGen allele CA359056126.

ClinVar aggregate classification (germline): Uncertain significance (1 of 4 stars; one submission).

Conditions:
Idiopathic Pulmonary Fibrosis. Also called: Idiopathic fibrosing alveolitis, chronic form; idiopathic fibrosing alveolitis. Identifiers: Orphanet 2032, MedGen C1800706, MeSH D054990, MONDO:0800504.
Dyskeratosis congenita, autosomal dominant 2. Identifiers: MedGen C3151443, MONDO:0013521, OMIM 613989.

Submission:

Labcorp Genetics (formerly Invitae), Labcorp
Classification: Uncertain significance for Dyskeratosis congenita, autosomal dominant 2; Idiopathic Pulmonary Fibrosis. Last evaluated: 2023-01-22. Review status: criteria provided, single submitter. Criteria: Invitae Variant Classification Sherloc (09022015). Collection method: clinical testing. Allele origin: germline.
Comment: This sequence change replaces arginine, which is basic and polar, with glycine, which is neutral and non-polar, at codon 312 of the TERT protein (p.Arg312Gly). This variant is not present in population databases (gnomAD no frequency). This variant has not been reported in the literature in individuals affected with TERT-related conditions. Advanced modeling of protein sequence and biophysical properties (such as structural, functional, and spatial information, amino acid conservation, physicochemical variation, residue mobility, and thermodynamic stability) performed at Invitae indicates that this missense variant is not expected to disrupt TERT protein function. In summary, the available evidence is currently insufficient to determine the role of this variant in disease. Therefore, it has been classified as a Variant of Uncertain Significance.